The following is an entry in ClinVar:

ClinVar aggregate classification (germline): Uncertain significance (1 of 4 stars; one submission).

Submission:

Labcorp Genetics (formerly Invitae), Labcorp
Classification: Uncertain significance. Last evaluated: 2023-08-09. Review status: criteria provided, single submitter. Criteria: Invitae Variant Classification Sherloc (09022015). Collection method: clinical testing. Allele origin: germline.
Comment: Advanced modeling of protein sequence and biophysical properties (such as structural, functional, and spatial information, amino acid conservation, physicochemical variation, residue mobility, and thermodynamic stability) performed at Invitae indicates that this missense variant is not expected to disrupt CACNA1F protein function. This variant has not been reported in the literature in individuals affected with CACNA1F-related conditions. This variant is not present in population databases (gnomAD no frequency). This sequence change replaces serine, which is neutral and polar, with proline, which is neutral and non-polar, at codon 1402 of the CACNA1F protein (p.Ser1402Pro). In summary, the available evidence is currently insufficient to determine the role of this variant in disease. Therefore, it has been classified as a Variant of Uncertain Significance.

NM_001256789.3(CACNA1F):c.4171T>C (p.Ser1391Pro)

Gene: CACNA1F (calcium voltage-gated channel subunit alpha1 F; minus strand). Cytogenetic location: Xp11.23.
Variant type: single nucleotide variant.
Coding change: c.4171T>C on transcript NM_001256789.3 (MANE Select); coding-DNA position 4171, T replaced by C.
Protein change: p.Ser1391Pro; replaces serine 1391 with proline.
Molecular consequence: missense variant.
Genome position (GRCh38, 1-based): chrX:49,211,411, A>G on the plus strand (T>C on the coding strand, the complement: CACNA1F is on the minus strand). VCF-style: chrX-49211411-A-G. GRCh37 (hg19) VCF-style: chrX-49067871-A-G.
Other names: c.4009T>C, p.Ser1337Pro (NM_001256790.3); c.4204T>C, p.Ser1402Pro (NM_005183.4); short protein forms S1391P, S1402P, S1337P.
Identifiers: ClinVar variation 2751404 (VCV002751404.3), dbSNP rs2520790319, ClinGen allele CA412961660.